The following is an entry in ClinVar:

NM_032259.4(WDR24):c.-434C>T

Gene: WDR24 (WD repeat domain 24; minus strand). Cytogenetic location: 16p13.3.
Variant type: single nucleotide variant.
Coding change: c.-434C>T on transcript NM_032259.4 (MANE Select); 434 bases upstream of the start codon, C replaced by T.
Molecular consequence: 5 prime UTR variant.
Genome position (GRCh38, 1-based): chr16:690,074, G>A on the plus strand (C>T on the coding strand, the complement: WDR24 is on the minus strand). VCF-style: chr16-690074-G-A. GRCh37 (hg19) VCF-style: chr16-740074-G-A.
Other names: c.-434C>T (NM_001303027.1).
Identifiers: ClinVar variation 2645851 (VCV002645851.24), dbSNP rs200723829, ClinGen allele CA7788134.

ClinVar aggregate classification (germline): Likely benign (1 of 4 stars; one submission).

Allele frequency attached by ClinVar (database versions not stated): 1000 Genomes Project 30x 0.00109; 1000 Genomes Project 0.00120; ExAC 0.00434; TOPMed 0.00467; gnomAD 0.00503; gnomAD exomes 0.00561.
gnomAD v4.1: 2,516 of 466,030 alleles (0.54%); highest among the groups gnomAD compares: Non-Finnish European, 0.83%; 15 homozygotes.

Submission:

CeGaT Center for Human Genetics Tuebingen
Classification: Likely benign. Last evaluated: 2023-01-01. Review status: criteria provided, single submitter. Criteria: CeGaT Center For Human Genetics Tuebingen Variant Classification Criteria Version 2. Collection method: clinical testing. Allele origin: germline. Affected: yes. Observed: 1 variant allele.
Comment: WDR24: BS2